The following is an entry in ClinVar:

NC_000017.10:g.(?_6493079)_(6502660_?)del

Gene: KIAA0753 (KIAA0753; minus strand). Cytogenetic location: 17p13.2-13.1.
Variant type: Deletion.
Identifiers: ClinVar variation 2425977 (VCV002425977.4).

ClinVar aggregate classification (germline): Uncertain significance (1 of 4 stars; one submission).

Submission:

Labcorp Genetics (formerly Invitae), Labcorp
Classification: Uncertain significance. Last evaluated: 2021-11-01. Review status: criteria provided, single submitter. Criteria: Invitae Variant Classification Sherloc (09022015). Collection method: clinical testing. Allele origin: germline.
Comment: This variant has not been reported in the literature in individuals affected with KIAA0753-related conditions. This variant is a gross deletion of the genomic region encompassing exon(s) 14-18 of the KIAA0753 gene. While this deletion is not anticipated to lead to nonsense mediated decay, it is expected to disrupt the C-terminus of the protein. Experimental studies and prediction algorithms are not available or were not evaluated, and the functional significance of this variant is currently unknown. In summary, the available evidence is currently insufficient to determine the role of this variant in disease. Therefore, it has been classified as a Variant of Uncertain Significance.